The following is an entry in ClinVar:

ClinVar aggregate classification (germline): Uncertain significance. Review status: criteria provided, multiple submitters, no conflicts (2 of 4 stars). 2 submissions from 2 submitters: Uncertain significance (2). Last evaluated 2024-10-25.

Conditions:
Inborn genetic diseases. Identifiers: MedGen C0950123, MeSH D030342.

Allele frequency attached by ClinVar (database versions not stated): gnomAD 0.00001; TOPMed 0.00003.
gnomAD v4.1: 11 of 1,458,172 alleles (0.00075%); highest among the groups gnomAD compares: Middle Eastern, 0.019%; no homozygotes.

Submissions (2):

Labcorp Genetics (formerly Invitae), Labcorp
Classification: Uncertain significance. Last evaluated: 2024-10-25. Review status: criteria provided, single submitter. Criteria: Invitae Variant Classification Sherloc (09022015). Collection method: clinical testing. Allele origin: germline.
Comment: This sequence change replaces aspartic acid, which is acidic and polar, with glutamic acid, which is acidic and polar, at codon 63 of the OBSL1 protein (p.Asp63Glu). This variant is present in population databases (no rsID available, gnomAD 0.06%). This variant has not been reported in the literature in individuals affected with OBSL1-related conditions. ClinVar contains an entry for this variant (Variation ID: 1979628). An algorithm developed to predict the effect of missense changes on protein structure and function outputs the following: PolyPhen-2: "Benign". The glutamic acid amino acid residue is found in multiple mammalian species, which suggests that this missense change does not adversely affect protein function. In summary, the available evidence is currently insufficient to determine the role of this variant in disease. Therefore, it has been classified as a Variant of Uncertain Significance.

Ambry Genetics
Classification: Uncertain significance for Inborn genetic diseases. Last evaluated: 2021-11-09. Review status: criteria provided, single submitter. Criteria: Ambry Variant Classification Scheme 2023. Collection method: clinical testing. Allele origin: germline.

NM_015311.3(OBSL1):c.189C>A (p.Asp63Glu)

Gene: OBSL1 (obscurin like cytoskeletal adaptor 1; minus strand). Cytogenetic location: 2q35.
Variant type: single nucleotide variant.
Coding change: c.189C>A on transcript NM_015311.3 (MANE Select); coding-DNA position 189, C replaced by A.
Protein change: p.Asp63Glu; replaces aspartic acid 63 with glutamic acid.
Molecular consequence: missense variant.
Genome position (GRCh38, 1-based): chr2:219,571,044, G>T on the plus strand (C>A on the coding strand, the complement: OBSL1 is on the minus strand). VCF-style: chr2-219571044-G-T. GRCh37 (hg19) VCF-style: chr2-220435766-G-T.
Other names: c.189C>A, p.Asp63Glu (NM_001173408.2, NM_001173431.2); short protein forms D63E.
Identifiers: ClinVar variation 1979628 (VCV001979628.5), dbSNP rs886055668, ClinGen allele CA350766122.